The following is an entry in ClinVar:

ClinVar aggregate classification (germline): Uncertain significance. Review status: criteria provided, multiple submitters, no conflicts (2 of 4 stars). 2 submissions from 2 submitters: Uncertain significance (2). Last evaluated 2026-01-11.

gnomAD v4.1: 19 of 1,613,096 alleles (0.0012%); highest among the groups gnomAD compares: Admixed American, 0.0067%; no homozygotes.

Submissions (2):

Women's Health and Genetics/Laboratory Corporation of America, LabCorp
Classification: Uncertain significance. Last evaluated: 2026-01-11. Review status: criteria provided, single submitter. Criteria: LabCorp Variant Classification Summary - May 2015. Collection method: clinical testing. Allele origin: germline.
Comment: Variant summary: TENM4 c.5842G>A (p.Asp1948Asn) results in a conservative amino acid change in the encoded protein sequence. Algorithms developed to predict the effect of missense changes on protein structure and function are either unavailable or do not agree on the potential impact of this missense change. The variant allele was found at a frequency of 2.8e-05 in 246612 control chromosomes. The available data on variant occurrences in the general population are insufficient to allow any conclusion about variant significance. To our knowledge, no occurrence of c.5842G>A in individuals affected with TENM4-related conditions and no experimental evidence demonstrating its impact on protein function have been reported. ClinVar contains an entry for this variant (Variation ID: 3805668). Based on the evidence outlined above, the variant was classified as uncertain significance.

Ambry Genetics
Classification: Uncertain significance. Last evaluated: 2025-03-11. Review status: criteria provided, single submitter. Criteria: Ambry Variant Classification Scheme 2023. Collection method: clinical testing. Allele origin: germline.

NM_001098816.3(TENM4):c.5842G>A (p.Asp1948Asn)

Gene: TENM4 (teneurin transmembrane protein 4; minus strand). Cytogenetic location: 11q14.1.
Variant type: single nucleotide variant.
Coding change: c.5842G>A on transcript NM_001098816.3 (MANE Select); coding-DNA position 5842, G replaced by A.
Protein change: p.Asp1948Asn; replaces aspartic acid 1948 with asparagine.
Molecular consequence: missense variant.
Genome position (GRCh38, 1-based): chr11:78,670,503, C>T on the plus strand (G>A on the coding strand, the complement: TENM4 is on the minus strand). VCF-style: chr11-78670503-C-T. GRCh37 (hg19) VCF-style: chr11-78381548-C-T.
Other names: short protein forms D1948N.
Identifiers: ClinVar variation 3805668 (VCV003805668.2).